The following is an entry in ClinVar:

ClinVar aggregate classification (germline): Uncertain significance. Review status: criteria provided, multiple submitters, no conflicts (2 of 4 stars). 3 submissions from 3 submitters: Uncertain significance (3). Last evaluated 2024-10-29.

Conditions:
Inborn genetic diseases. Identifiers: MedGen C0950123, MeSH D030342.
Ichthyosis linearis circumflexa. Identifiers: MedGen C0265962, MONDO:0043106, HP:0025810.
Netherton syndrome (NETH). Also called: NETHERTON DISEASE; ERYTHRODERMA, ICHTHYOSIFORM, WITH HYPOTRICHOSIS AND HYPER-IgE; COMEL-NETHERTON SYNDROME. Identifiers: Orphanet 634, MedGen C5574950, MONDO:0009735, OMIM 256500.

Allele frequency attached by ClinVar (database versions not stated): ExAC 0.00006; gnomAD 0.00006 and 0.00007; gnomAD exomes 0.00006 and 0.00014; TOPMed 0.00008; ESP Exome Variant Server 0.00033.
gnomAD v4.1: 214 of 1,613,940 alleles (0.013%); highest among the groups gnomAD compares: Non-Finnish European, 0.017%; no homozygotes.

Submissions (3):

Ambry Genetics
Classification: Uncertain significance for Inborn genetic diseases. Last evaluated: 2024-10-29. Review status: criteria provided, single submitter. Criteria: Ambry Variant Classification Scheme 2023. Collection method: clinical testing. Allele origin: germline.

Labcorp Genetics (formerly Invitae), Labcorp
Classification: Uncertain significance for Ichthyosis linearis circumflexa. Last evaluated: 2023-08-14. Review status: criteria provided, single submitter. Criteria: Invitae Variant Classification Sherloc (09022015). Collection method: clinical testing. Allele origin: germline.
Comment: In summary, the available evidence is currently insufficient to determine the role of this variant in disease. Therefore, it has been classified as a Variant of Uncertain Significance. Advanced modeling of protein sequence and biophysical properties (such as structural, functional, and spatial information, amino acid conservation, physicochemical variation, residue mobility, and thermodynamic stability) performed at Invitae indicates that this missense variant is expected to disrupt SPINK5 protein function. ClinVar contains an entry for this variant (Variation ID: 854426). This sequence change replaces arginine, which is basic and polar, with tryptophan, which is neutral and slightly polar, at codon 723 of the SPINK5 protein (p.Arg723Trp). This variant is present in population databases (rs369782107, gnomAD 0.01%). This variant has not been reported in the literature in individuals affected with SPINK5-related conditions.

Fulgent Genetics
Classification: Uncertain significance for Netherton syndrome. Last evaluated: 2022-04-20. Review status: criteria provided, single submitter. Criteria: ACMG Guidelines, 2015. Collection method: clinical testing. Allele origin: unknown.

NM_006846.4(SPINK5):c.2167C>T (p.Arg723Trp)

Gene: SPINK5 (serine peptidase inhibitor Kazal type 5; plus strand). Cytogenetic location: 5q32.
Variant type: single nucleotide variant.
Coding change: c.2167C>T on transcript NM_006846.4 (MANE Select); coding-DNA position 2167, C replaced by T.
Protein change: p.Arg723Trp; replaces arginine 723 with tryptophan.
Molecular consequence: missense variant.
Genome position (GRCh38, 1-based): chr5:148,118,491, C>T. VCF-style: chr5-148118491-C-T. GRCh37 (hg19) VCF-style: chr5-147498054-C-T.
Other names: c.2167C>T, p.Arg723Trp (NM_001127698.2, NM_001127699.2); short protein forms R723W.
Identifiers: ClinVar variation 854426 (VCV000854426.10), dbSNP rs369782107, ClinGen allele CA3495884.